The following is an entry in ClinVar:

NM_007078.3(LDB3):c.1508G>A (p.Gly503Asp)

Gene: LDB3 (LIM domain binding 3; plus strand). Cytogenetic location: 10q23.2.
Variant type: single nucleotide variant.
Coding change: c.1508G>A on transcript NM_007078.3 (MANE Select); coding-DNA position 1508, G replaced by A.
Protein change: p.Gly503Asp; replaces glycine 503 with aspartic acid.
Molecular consequence: missense variant.
Genome position (GRCh38, 1-based): chr10:86,716,603, G>A. VCF-style: chr10-86716603-G-A. GRCh37 (hg19) VCF-style: chr10-88476360-G-A.
Other names: c.1178G>A, p.Gly393Asp (NM_001080114.2); c.1523G>A, p.Gly508Asp (NM_001171610.2); c.1319G>A, p.Gly440Asp (NM_001368064.1, NM_001368065.1); c.1367G>A, p.Gly456Asp (NM_001368066.1); c.1508G>A (NM_007078.2); short protein forms G393D, G503D, G508D, G440D, G456D.
Identifiers: ClinVar variation 1371128 (VCV001371128.7), dbSNP rs777459539, ClinGen allele CA5585173.

ClinVar aggregate classification (germline): Uncertain significance. Review status: criteria provided, multiple submitters, no conflicts (2 of 4 stars). 2 submissions from 2 submitters: Uncertain significance (2). Last evaluated 2024-05-17.

Conditions:
Cardiovascular phenotype. Identifiers: MedGen CN230736.
Myofibrillar myopathy 4. Also called: Zaspopathy (type). Identifiers: Orphanet 98912, MedGen C4721886, MONDO:0012277, OMIM 609452.

Allele frequency attached by ClinVar (database versions not stated): gnomAD exomes below 0.00001; ExAC 0.00001.
gnomAD v4.1: 5 of 1,613,682 alleles (0.00031%); highest among the groups gnomAD compares: Non-Finnish European, 0.00042%; no homozygotes.

Submissions (2):

Ambry Genetics
Classification: Uncertain significance for Cardiovascular phenotype. Last evaluated: 2024-05-17. Review status: criteria provided, single submitter. Criteria: Ambry Variant Classification Scheme 2023. Collection method: clinical testing. Allele origin: germline.

Labcorp Genetics (formerly Invitae), Labcorp
Classification: Uncertain significance for Myofibrillar myopathy 4. Last evaluated: 2021-06-07. Review status: criteria provided, single submitter. Criteria: Invitae Variant Classification Sherloc (09022015). Collection method: clinical testing. Allele origin: germline.
Comment: This sequence change replaces glycine with asparagine at codon 503 of the LDB3 protein (p.Gly503Asp). The LDB3 gene has multiple clinically relevant transcripts. This variant occurs in alternate transcript NM_007078.3, and corresponds to NM_001080116.1:c.*17229G>A in the primary transcript. The frequency data for this variant in the population databases is considered unreliable, as metrics indicate poor data quality at this position in the ExAC database. This variant has not been reported in the literature in individuals with LDB3-related conditions. Experimental studies and prediction algorithms are not available or were not evaluated, and the functional significance of this variant is currently unknown. In summary, the available evidence is currently insufficient to determine the role of this variant in disease. Therefore, it has been classified as a Variant of Uncertain Significance.